The following is an entry in ClinVar:

ClinVar aggregate classification (germline): Conflicting classifications of pathogenicity. Review status: criteria provided, conflicting classifications (1 of 4 stars). 10 submissions from 10 submitters: Pathogenic (6); Likely pathogenic (3); Uncertain significance (1). Last evaluated 2025-12-22.

Conditions:
Autosomal recessive hypophosphatemic bone disease (HHRH). Also called: Hypophosphatemic rickets with hypercalciuria; HYPERCALCIURIC RICKETS. Identifiers: Orphanet 157215, MedGen C1853271, MONDO:0009431, OMIM 241530.
SLC34A3-related disorder. Also called: SLC34A3-related condition.
Inborn genetic diseases. Identifiers: MedGen C0950123, MeSH D030342.

Allele frequency attached by ClinVar (database versions not stated): gnomAD 0.00004 and 0.00005; gnomAD exomes 0.00004; 1000 Genomes Project 30x 0.00016; 1000 Genomes Project 0.00020; ExAC 0.00003; TOPMed 0.00003.
gnomAD v4.1: 65 of 1,612,900 alleles (0.004%); highest among the groups gnomAD compares: Non-Finnish European, 0.0053%; no homozygotes.

Submissions (10):

Ambry Genetics
Classification: Uncertain significance for Inborn genetic diseases. Last evaluated: 2025-12-22. Review status: criteria provided, single submitter. Criteria: Ambry Variant Classification Scheme 2023. Collection method: clinical testing. Allele origin: germline.
Comment: The c.304+2T>C intronic variant consists of a T to C substitution two nucleotides after exon 4 (coding exon 3) of the SLC34A3 gene. Alterations that disrupt the canonical splice site are expected to result in aberrant splicing. The resulting transcript is predicted to be in-frame and is not expected to trigger nonsense-mediated mRNA decay, although direct evidence is unavailable. Based on data from gnomAD, the C allele has an overall frequency of 0.004% (11/281516) total alleles studied. The highest observed frequency was 0.008% (10/128110) of European (non-Finnish) alleles. This variant has been reported as a single heterozygous variant as well as in the homozygous state and/or in conjunction with other SLC34A3 variant(s) in individual(s) with features consistent with SLC34A3-related hypophosphatemic rickets with hypercalciuria; in at least one instance, the variants were identified in trans (Lorenz-Depiereux, 2006; Hureaux, 2019) This nucleotide position is well conserved in available vertebrate species. In silico splice site analysis predicts that this alteration will weaken the native splice donor site. Based on insufficient or conflicting evidence, the clinical significance of this alteration remains unclear.

Rare Kidney Stone Consortium and the Mayo Clinic Hyperoxaluria Center, Mayo Clinic
Classification: Pathogenic for Autosomal recessive hypophosphatemic bone disease. Last evaluated: 2025-10-03. Review status: criteria provided, single submitter. Criteria: ACMG Guidelines, 2015. Collection method: research. Allele origin: germline. Observed: 1 variant allele.
Comment: ACMG:PVS1, PM2, PP5

GeneDx
Classification: Likely pathogenic. Last evaluated: 2025-06-24. Review status: criteria provided, single submitter. Criteria: GeneDx Variant Classification Process June 2021. Collection method: clinical testing. Allele origin: germline. Affected: yes.
Comment: Reported in a heterozygous individual with renal hypophosphatemia in the published literature although a second variant in the SLC34A3 gene was not reported (PMID: 31672324); Canonical splice site variant predicted to result in an in-frame loss of the adjacent exon in a gene for which loss of function is a known mechanism of disease; This variant is associated with the following publications: (PMID: 25525159, 30798342, 16358215, 31589614, 34721296, 31672324)

Labcorp Genetics (formerly Invitae), Labcorp
Classification: Pathogenic. Last evaluated: 2025-03-31. Review status: criteria provided, single submitter. Criteria: Invitae Variant Classification Sherloc (09022015). Collection method: clinical testing. Allele origin: germline.
Comment: This sequence change affects a donor splice site in intron 4 of the SLC34A3 gene. It is expected to disrupt RNA splicing. Variants that disrupt the donor or acceptor splice site typically lead to a loss of protein function (PMID: 16199547), and loss-of-function variants in SLC34A3 are known to be pathogenic (PMID: 16358214, 16358215, 22159077). This variant is present in population databases (rs201293634, gnomAD 0.008%). Disruption of this splice site has been observed in individual(s) with hypophosphatemic rickets with hypercalciuria (PMID: 16358215). ClinVar contains an entry for this variant (Variation ID: 444092). Algorithms developed to predict the effect of sequence changes on RNA splicing suggest that this variant may disrupt the consensus splice site. For these reasons, this variant has been classified as Pathogenic.

Institute of Human Genetics, University of Leipzig Medical Center
Classification: Likely pathogenic for Autosomal recessive hypophosphatemic bone disease. Last evaluated: 2024-12-17. Review status: criteria provided, single submitter. Criteria: ACMG Guidelines, 2015. Collection method: clinical testing. Allele origin: unknown. Inheritance: Autosomal recessive inheritance. Affected: yes.
Comment: Criteria applied: PVS1_MOD,PM2,PM3

Women's Health and Genetics/Laboratory Corporation of America, LabCorp
Classification: Pathogenic for Hereditary Hypophosphatemic Rickets With Hypercalciuria. Last evaluated: 2024-11-06. Review status: criteria provided, single submitter. Criteria: LabCorp Variant Classification Summary - May 2015. Collection method: clinical testing. Allele origin: germline.
Comment: Variant summary: SLC34A3 c.304+2T>C is located in a canonical splice-site and is predicted to affect mRNA splicing resulting in a significantly altered protein due to either exon skipping, shortening, or inclusion of intronic material. Variants that disrupt the consensus splice site are a relatively common cause of aberrant splicing and loss of SLC34A3 function. Several computational tools predict a significant impact on normal splicing: Four predict the variant abolishes a 5' splicing donor site. However, these predictions have yet to be confirmed by functional studies. The variant allele was found at a frequency of 3.6e-05 in 250156 control chromosomes. c.304+2T>C has been reported in the literature in individuals affected with Hereditary Hypophosphatemic Rickets With Hypercalciuria (Lorenz-Depiereux_2006, Hureaux_2019). These data indicate that the variant may be associated with disease. To our knowledge, no experimental evidence demonstrating an impact on protein function has been reported. The following publications have been ascertained in the context of this evaluation (PMID: 31672324, 16358215). ClinVar contains an entry for this variant (Variation ID: 444092). Based on the evidence outlined above, the variant was classified as pathogenic.

Fulgent Genetics
Classification: Pathogenic for Autosomal recessive hypophosphatemic bone disease. Last evaluated: 2024-05-25. Review status: criteria provided, single submitter. Criteria: ACMG Guidelines, 2015. Collection method: clinical testing. Allele origin: germline.

Blueprint Genetics
Classification: Likely pathogenic for SLC34A3-related disorders. Last evaluated: 2023-12-12. Review status: criteria provided, single submitter. Criteria: ACMG Guidelines, 2015. Collection method: clinical testing. Allele origin: germline. Affected: yes. Observed: 5 variant alleles.

Baylor Genetics
Classification: Pathogenic for Autosomal recessive hypophosphatemic bone disease. Last evaluated: 2022-12-19. Review status: criteria provided, single submitter. Criteria: ACMG Guidelines, 2015. Collection method: clinical testing. Allele origin: unknown.

Institute of Human Genetics Munich, TUM University Hospital
Classification: Pathogenic for Autosomal recessive hypophosphatemic bone disease. Last evaluated: 2017-09-30. Review status: criteria provided, single submitter. Criteria: Classification criteria August 2017. Collection method: clinical testing. Allele origin: paternal. Inheritance: Autosomal recessive inheritance. Affected: yes. Observed: 1 compound heterozygote.

Literature cited by the submitters: PubMed 16358215 (cited by 5 submitters); PubMed 31672324 (cited by 3 submitters); PubMed 25525159 (cited by Rare Kidney Stone Consortium and the Mayo Clinic Hyperoxaluria Center, Mayo Clinic); PubMed 31589614 (cited by Rare Kidney Stone Consortium and the Mayo Clinic Hyperoxaluria Center, Mayo Clinic); PubMed 40794449 (cited by Rare Kidney Stone Consortium and the Mayo Clinic Hyperoxaluria Center, Mayo Clinic); PubMed 16199547 (cited by Labcorp Genetics (formerly Invitae), Labcorp); PubMed 16358214 (cited by Labcorp Genetics (formerly Invitae), Labcorp); PubMed 22159077 (cited by Labcorp Genetics (formerly Invitae), Labcorp).

NM_001177316.2(SLC34A3):c.304+2T>C

Gene: SLC34A3 (solute carrier family 34 member 3; plus strand). Cytogenetic location: 9q34.3.
Variant type: single nucleotide variant.
Coding change: c.304+2T>C on transcript NM_001177316.2 (MANE Select); the canonical splice donor site of the intron after coding-DNA position 304, T replaced by C.
Molecular consequence: splice donor variant.
Genome position (GRCh38, 1-based): chr9:137,232,705, T>C. VCF-style: chr9-137232705-T-C. GRCh37 (hg19) VCF-style: chr9-140127157-T-C.
Other names: c.304+2T>C (NM_001177317.2, NM_080877.3).
Identifiers: ClinVar variation 444092 (VCV000444092.20), dbSNP rs201293634, ClinGen allele CA5364304.